The following is an entry in ClinVar:

ClinVar aggregate classification (germline): Uncertain significance (1 of 4 stars; one submission).

Conditions:
Intellectual developmental disorder, autosomal dominant 1. Also called: MBD5 Haploinsufficiency; Intellectual disability, autosomal dominant 1. Identifiers: Orphanet 228402, MedGen C1969562, MONDO:0007974, OMIM 156200.

Submission:

Labcorp Genetics (formerly Invitae), Labcorp
Classification: Uncertain significance for Intellectual developmental disorder, autosomal dominant 1. Last evaluated: 2025-04-13. Review status: criteria provided, single submitter. Criteria: Invitae Variant Classification Sherloc (09022015). Collection method: clinical testing. Allele origin: germline.
Comment: This sequence change replaces valine, which is neutral and non-polar, with alanine, which is neutral and non-polar, at codon 1076 of the MBD5 protein (p.Val1076Ala). This variant is not present in population databases (gnomAD no frequency). This variant has not been reported in the literature in individuals affected with MBD5-related conditions. Invitae Evidence Modeling of protein sequence and biophysical properties (such as structural, functional, and spatial information, amino acid conservation, physicochemical variation, residue mobility, and thermodynamic stability) indicates that this missense variant is not expected to disrupt MBD5 protein function with a negative predictive value of 80%. In summary, the available evidence is currently insufficient to determine the role of this variant in disease. Therefore, it has been classified as a Variant of Uncertain Significance.

NM_001378120.1(MBD5):c.3926T>C (p.Val1309Ala)

Gene: MBD5 (methyl-CpG binding domain protein 5; plus strand). Cytogenetic location: 2q23.1.
Variant type: single nucleotide variant.
Coding change: c.3926T>C on transcript NM_001378120.1 (MANE Select); coding-DNA position 3926, T replaced by C.
Protein change: p.Val1309Ala; replaces valine 1309 with alanine.
Molecular consequence: missense variant.
Genome position (GRCh38, 1-based): chr2:148,489,558, T>C. VCF-style: chr2-148489558-T-C. GRCh37 (hg19) VCF-style: chr2-149247127-T-C.
Other names: c.3926T>C, p.Val1309Ala (NM_001438857.1, NM_001438858.1, NM_001438854.1 and 1 more transcripts); c.3227T>C, p.Val1076Ala (NM_001438859.1, NM_001438860.1, NM_001438861.1 and 3 more transcripts); short protein forms V1309A, V1076A.
Identifiers: ClinVar variation 4701192 (VCV004701192.1).